The following is an entry in ClinVar:

NM_006785.4(MALT1):c.445C>T (p.Arg149Trp)

Gene: MALT1 (MALT1 paracaspase; plus strand). Cytogenetic location: 18q21.32.
Variant type: single nucleotide variant.
Coding change: c.445C>T on transcript NM_006785.4 (MANE Select); coding-DNA position 445, C replaced by T.
Protein change: p.Arg149Trp; replaces arginine 149 with tryptophan.
Molecular consequence: missense variant.
Genome position (GRCh38, 1-based): chr18:58,696,434, C>T. VCF-style: chr18-58696434-C-T. GRCh37 (hg19) VCF-style: chr18-56363666-C-T.
Other names: c.445C>T, p.Arg149Trp (NM_173844.3); short protein forms R149W.
Identifiers: ClinVar variation 3384246 (VCV003384246.1).

ClinVar aggregate classification (germline): Uncertain significance (1 of 4 stars; one submission).

gnomAD v4.1: 23 of 1,592,738 alleles (0.0014%); highest among the groups gnomAD compares: East Asian, 0.0046%; no homozygotes.

Submission:

GeneDx
Classification: Uncertain significance. Last evaluated: 2024-06-04. Review status: criteria provided, single submitter. Criteria: GeneDx Variant Classification Process June 2021. Collection method: clinical testing. Allele origin: germline. Affected: yes.
Comment: In silico analysis indicates that this missense variant does not alter protein structure/function; Has not been previously published as pathogenic or benign to our knowledge